The following is an entry in ClinVar:

NM_000492.4(CFTR):c.2511G>A (p.Met837Ile)

Gene: CFTR (CF transmembrane conductance regulator; plus strand). Cytogenetic location: 7q31.2.
Variant type: single nucleotide variant.
Coding change: c.2511G>A on transcript NM_000492.4 (MANE Select); coding-DNA position 2511, G replaced by A.
Protein change: p.Met837Ile; replaces methionine 837 with isoleucine.
Molecular consequence: missense variant.
Genome position (GRCh38, 1-based): chr7:117,594,950, G>A. VCF-style: chr7-117594950-G-A. GRCh37 (hg19) VCF-style: chr7-117235004-G-A.
Other names: short protein forms M837I.
Identifiers: ClinVar variation 3231862 (VCV003231862.1), dbSNP rs984894645, ClinGen allele CA164949878.
Genomic context (GRCh38, chr7:117,594,950, plus strand): 5'-TGTACTGTCTTATTGTAATAGCCATAATTCTTTTATTCAGGAGTGCTTTTTTGATGATAT[G>A]GAGAGCATACCAGCAGTGACTACATGGAACACATACCTTCGATATATTACTGTCCACAAG-3'
Protein context (NP_000483.3, residues 827-847): EDLKECFFDD[Met837Ile]ESIPAVTTWN

ClinVar aggregate classification (germline): Uncertain significance (1 of 4 stars; one submission).

Conditions:
Cystic fibrosis (CF). Also called: MUCOVISCIDOSIS. Identifiers: Orphanet 586, MedGen C0010674, MONDO:0009061, OMIM 219700. Disease mechanism: loss of function.

Allele frequency attached by ClinVar (database versions not stated): TOPMed 0.00001.

Submission:

Ambry Genetics
Classification: Uncertain significance for Cystic fibrosis. Last evaluated: 2024-02-10. Review status: criteria provided, single submitter. Criteria: Ambry Variant Classification Scheme 2023. Collection method: clinical testing. Allele origin: germline.
Comment: The p.M837I variant (also known as c.2511G>A), located in coding exon 15 of the CFTR gene, results from a G to A substitution at nucleotide position 2511. The methionine at codon 837 is replaced by isoleucine, an amino acid with highly similar properties. This amino acid position is conserved. In addition, this alteration is predicted to be tolerated by in silico analysis. Based on the available evidence, the clinical significance of this alteration remains unclear.